The following is an entry in ClinVar:

NM_014915.3(ANKRD26):c.2724A>T (p.Lys908Asn)

Gene: ANKRD26 (ankyrin repeat domain 26; minus strand). Cytogenetic location: 10p12.1.
Variant type: single nucleotide variant.
Coding change: c.2724A>T on transcript NM_014915.3 (MANE Select); coding-DNA position 2724, A replaced by T.
Protein change: p.Lys908Asn; replaces lysine 908 with asparagine.
Molecular consequence: missense variant.
Genome position (GRCh38, 1-based): chr10:27,035,726, T>A on the plus strand (A>T on the coding strand, the complement: ANKRD26 is on the minus strand). VCF-style: chr10-27035726-T-A. GRCh37 (hg19) VCF-style: chr10-27324655-T-A.
Other names: c.2721A>T, p.Lys907Asn (NM_001256053.2); short protein forms K908N, K907N.
Identifiers: ClinVar variation 4580441 (VCV004580441.1).
Genomic context (GRCh38, chr10:27,035,726, plus strand): 5'-TATTTCTAGTCTTAGCATAGCAATTTCTTCCTGCAACATGCTATTTTTATGCGATAGGTC[T>A]TTTTCTTCTTCATGACTATGAGAATTCTAAGTAAAACAAAGGAAACTTTGAGCTAGCACC-3'
Protein context (NP_055730.2, residues 898-918): SENSHSHEEE[Lys908Asn]DLSHKNSMLQ

ClinVar aggregate classification (germline): Uncertain significance (1 of 4 stars; one submission).

Conditions:
Inborn genetic diseases. Identifiers: MedGen C0950123, MeSH D030342.

Submission:

Ambry Genetics
Classification: Uncertain significance for Inborn genetic diseases. Last evaluated: 2025-12-10. Review status: criteria provided, single submitter. Criteria: Ambry Variant Classification Scheme 2023. Collection method: clinical testing. Allele origin: germline.
Comment: The p.K908N variant (also known as c.2724A>T), located in coding exon 24 of the ANKRD26 gene, results from an A to T substitution at nucleotide position 2724. The lysine at codon 908 is replaced by asparagine, an amino acid with similar properties. This amino acid position is conserved. In addition, this alteration is predicted to be tolerated by in silico analysis. Based on the available evidence, the clinical significance of this variant remains unclear.